The following is an entry in ClinVar:

ClinVar aggregate classification (germline): Uncertain significance (1 of 4 stars; one submission).

Submission:

Labcorp Genetics (formerly Invitae), Labcorp
Classification: Uncertain significance. Last evaluated: 2024-01-31. Review status: criteria provided, single submitter. Criteria: Invitae Variant Classification Sherloc (09022015). Collection method: clinical testing. Allele origin: germline.
Comment: This sequence change replaces cysteine, which is neutral and slightly polar, with arginine, which is basic and polar, at codon 698 of the ABCA4 protein (p.Cys698Arg). This variant is not present in population databases (gnomAD no frequency). This missense change has been observed in individual(s) with Stargardt Disease (PMID: 29854428). Advanced modeling of protein sequence and biophysical properties (such as structural, functional, and spatial information, amino acid conservation, physicochemical variation, residue mobility, and thermodynamic stability) performed at Invitae indicates that this missense variant is expected to disrupt ABCA4 protein function with a positive predictive value of 95%. In summary, the available evidence is currently insufficient to determine the role of this variant in disease. Therefore, it has been classified as a Variant of Uncertain Significance.

Literature cited by the submitters: PubMed 29854428.

NM_000350.3(ABCA4):c.2092T>C (p.Cys698Arg)

Gene: ABCA4 (ATP binding cassette subfamily A member 4; minus strand). Cytogenetic location: 1p22.1.
Variant type: single nucleotide variant.
Coding change: c.2092T>C on transcript NM_000350.3 (MANE Select); coding-DNA position 2092, T replaced by C.
Protein change: p.Cys698Arg; replaces cysteine 698 with arginine.
Molecular consequence: missense variant.
Genome position (GRCh38, 1-based): chr1:94,060,605, A>G on the plus strand (T>C on the coding strand, the complement: ABCA4 is on the minus strand). VCF-style: chr1-94060605-A-G. GRCh37 (hg19) VCF-style: chr1-94526161-A-G.
Other names: c.2092T>C, p.Cys698Arg (NM_001425324.1); short protein forms C698R.
Identifiers: ClinVar variation 3637922 (VCV003637922.2).